The following is an entry in ClinVar:

NM_203475.3(PORCN):c.589C>A (p.Leu197Met)

Gene: PORCN (porcupine O-acyltransferase; plus strand). Cytogenetic location: Xp11.23.
Variant type: single nucleotide variant.
Coding change: c.589C>A on transcript NM_203475.3 (MANE Select); coding-DNA position 589, C replaced by A.
Protein change: p.Leu197Met; replaces leucine 197 with methionine.
Molecular consequence: missense variant. On other transcripts: non-coding transcript variant (2).
Genome position (GRCh38, 1-based): chrX:48,512,622, C>A. VCF-style: chrX-48512622-C-A. GRCh37 (hg19) VCF-style: chrX-48371010-C-A.
Other names: c.376C>A, p.Leu126Met (NM_001282167.2); c.928C>A, p.Leu310Met (NM_001441333.1, NM_001441334.1); c.694C>A, p.Leu232Met (NM_001441335.1); c.781C>A, p.Leu261Met (NM_001441336.1); c.589C>A, p.Leu197Met (NM_022825.4, NM_203473.3, NM_203474.1); short protein forms L126M, L197M, L232M, L261M, L310M.
Identifiers: ClinVar variation 4882407 (VCV004882407.2).
Genomic context (GRCh38, chrX:48,512,622, plus strand): 5'-CACTCATGGAGTGCTTGATCCCTACAGAGCTGCCGGTGGCTGCAGAAGGTGGCCCGGAGC[C>A]TGGCACTGGCCCTGCTGTGCCTTGTGCTGTCCACTTGCGTGGGCCCCTACCTCTTCCCGT-3'
Protein context (NP_982301.1, residues 187-207): CRWLQKVARS[Leu197Met]ALALLCLVLS

ClinVar aggregate classification (germline): Uncertain significance (1 of 4 stars; one submission).

Submission:

Dasa
Classification: Uncertain significance. Last evaluated: 2025-02-04. Review status: criteria provided, single submitter. Criteria: DASA Assertion Criteria. Collection method: clinical testing. Allele origin: germline.
Comment: NM_203475.3(PORCN):c.589C>A (p.Leu197Met) is a missense variant that results in the substitution of leucine with methionine. This variant is absent from population databases. Computational prediction algorithms are consistent with a benign effect. The currently available literature and clinical evidence are not sufficient to establish a definitive association between this variant and the reported condition. Therefore, this variant is classified as a variant of uncertain significance.